The following is an entry in ClinVar:

ClinVar aggregate classification (germline): Benign (1 of 4 stars; one submission).

Allele frequency attached by ClinVar (database versions not stated): 1000 Genomes Project 30x 0.08542; 1000 Genomes Project 0.08626; gnomAD 0.14190 and 0.14477; TOPMed 0.14814.
gnomAD v4.1: 21,800 of 152,156 alleles (14%); highest among the groups gnomAD compares: Non-Finnish European, 22%; 2,130 homozygotes.

Submission:

GeneDx
Classification: Benign. Last evaluated: 2018-06-19. Review status: criteria provided, single submitter. Criteria: GeneDx Variant Classification (06012015). Collection method: clinical testing. Allele origin: germline. Affected: yes.
Comment: This variant is considered likely benign or benign based on one or more of the following criteria: it is a conservative change, it occurs at a poorly conserved position in the protein, it is predicted to be benign by multiple in silico algorithms, and/or has population frequency not consistent with disease.

NM_015443.4(KANSL1):c.1652+281C>T

Gene: KANSL1 (KAT8 regulatory NSL complex subunit 1). Cytogenetic location: 17q21.31.
Variant type: single nucleotide variant.
Coding change: c.1652+281C>T on transcript NM_015443.4 (MANE Select); 281 bases into the intron after coding-DNA position 1652, C replaced by T.
Molecular consequence: intron variant.
Genome position (GRCh38, 1-based): chr17:46,067,268, G>A on the plus strand (C>T on the coding strand, the complement: KANSL1 is on the minus strand). VCF-style: chr17-46067268-G-A. GRCh37 (hg19) VCF-style: chr17-44144634-G-A.
Other names: c.1652+281C>T (NM_001193465.2, NM_001379198.1, NM_001193466.2).
Identifiers: ClinVar variation 668807 (VCV000668807.1), dbSNP rs17659731, ClinGen allele CA15895897.